The following is an entry in ClinVar:

ClinVar aggregate classification (germline): Uncertain significance (1 of 4 stars; one submission).

Conditions:
Aicardi-Goutieres syndrome 6 (AGS6). Identifiers: Orphanet 51, MedGen C3539013, MONDO:0014007, OMIM 615010.
Symmetrical dyschromatosis of extremities (DSH). Also called: RETICULATE ACROPIGMENTATION OF DOHI; SYMMETRIC DYSCHROMATOSIS OF THE EXTREMITIES; Dyschromatosis symmetrica hereditaria; DYSCHROMATOSIS SYMMETRICA HEREDITARIA 1. Identifiers: Orphanet 41, MedGen C0406775, MONDO:0007483, OMIM 127400.

Submission:

Labcorp Genetics (formerly Invitae), Labcorp
Classification: Uncertain significance for Aicardi-Goutieres syndrome 6; Symmetrical dyschromatosis of extremities. Last evaluated: 2020-07-08. Review status: criteria provided, single submitter. Criteria: Invitae Variant Classification Sherloc (09022015). Collection method: clinical testing. Allele origin: germline.
Comment: In summary, the available evidence is currently insufficient to determine the role of this variant in disease. Therefore, it has been classified as a Variant of Uncertain Significance. Algorithms developed to predict the effect of missense changes on protein structure and function (SIFT, PolyPhen-2, Align-GVGD) all suggest that this variant is likely to be tolerated, but these predictions have not been confirmed by published functional studies and their clinical significance is uncertain. This variant has not been reported in the literature in individuals with ADAR-related conditions. This variant is not present in population databases (ExAC no frequency). This sequence change replaces serine with threonine at codon 311 of the ADAR protein (p.Ser311Thr). The serine residue is weakly conserved and there is a small physicochemical difference between serine and threonine.

NM_001111.5(ADAR):c.931T>A (p.Ser311Thr)

Gene: ADAR (adenosine deaminase RNA specific; minus strand). Cytogenetic location: 1q21.3.
Variant type: single nucleotide variant.
Coding change: c.931T>A on transcript NM_001111.5 (MANE Select); coding-DNA position 931, T replaced by A.
Protein change: p.Ser311Thr; replaces serine 311 with threonine.
Molecular consequence: missense variant.
Genome position (GRCh38, 1-based): chr1:154,601,711, A>T on the plus strand (T>A on the coding strand, the complement: ADAR is on the minus strand). VCF-style: chr1-154601711-A-T. GRCh37 (hg19) VCF-style: chr1-154574187-A-T.
Other names: c.46T>A, p.Ser16Thr (NM_001025107.3, NM_001193495.2, NM_001365046.1 and 3 more transcripts); c.958T>A, p.Ser320Thr (NM_001365045.1); c.931T>A, p.Ser311Thr (NM_015840.4, NM_015841.4); short protein forms S16T, S311T, S320T.
Identifiers: ClinVar variation 1014822 (VCV001014822.8), dbSNP rs1697893231, ClinGen allele CA342599248.
Genomic context (GRCh38, chr1:154,601,711, plus strand): 5'-TTATATCTCGGGCCTTGGTAAGGCCAATATTTTTAGCCAAATTCAGGGCAGAGGAGTCAG[A>T]CACATTGAAGAGATAGTCGCAGATTTTCTCCTTGATCTCGGCCATGTCTAAAAACTCAAG-3'
Protein context (NP_001102.3, residues 301-321): EKICDYLFNV[Ser311Thr]DSSALNLAKN